The following is an entry in ClinVar:

ClinVar aggregate classification (germline): Likely pathogenic (1 of 4 stars; one submission).

Submission:

Labcorp Genetics (formerly Invitae), Labcorp
Classification: Likely pathogenic. Last evaluated: 2023-02-25. Review status: criteria provided, single submitter. Criteria: Invitae Variant Classification Sherloc (09022015). Collection method: clinical testing. Allele origin: germline.
Comment: Algorithms developed to predict the effect of sequence changes on RNA splicing suggest that this variant may disrupt the consensus splice site. This variant has not been reported in the literature in individuals affected with COL7A1-related conditions. This variant is not present in population databases (gnomAD no frequency). This sequence change affects an acceptor splice site in intron 101 of the COL7A1 gene. It is expected to disrupt splicing. Variants that disrupt the donor or acceptor splice site typically lead to a loss of protein function (PMID: 16199547), and loss-of-function variants in COL7A1 are known to be disease-causing for autosomal recessive dystrophic epidermolysis bullosa (PMID: 16971478). However, certain variants affecting donor or acceptor splice sites in the triple helical domain of COL7A1 are expected to result in in-frame exon skipping and have been reported to cause autosomal dominant dystrophic epidermolysis bullosa (PMID: 31670143). In summary, the currently available evidence indicates that the variant is pathogenic, but additional data are needed to prove that conclusively. Therefore, this variant has been classified as Likely Pathogenic.

Literature cited by the submitters: PubMed 16199547; PubMed 16971478; PubMed 31670143.

NM_000094.4(COL7A1):c.7615-1G>A

Gene: COL7A1 (collagen type VII alpha 1 chain; minus strand). Cytogenetic location: 3p21.31.
Variant type: single nucleotide variant.
Coding change: c.7615-1G>A on transcript NM_000094.4 (MANE Select); the canonical splice acceptor site of the intron before coding-DNA position 7615, G replaced by A.
Molecular consequence: splice acceptor variant.
Genome position (GRCh38, 1-based): chr3:48,569,447, C>T on the plus strand (G>A on the coding strand, the complement: COL7A1 is on the minus strand). VCF-style: chr3-48569447-C-T. GRCh37 (hg19) VCF-style: chr3-48606880-C-T.
Identifiers: ClinVar variation 2829939 (VCV002829939.3), dbSNP rs2530844234, ClinGen allele CA352644041.
Genomic context (GRCh38, chr3:48,569,447, plus strand): 5'-GTCCCCATTGTCTCCCCGAGGTCCTTTGTCACCATCCAAGCCCCGAGGCCCTCGTTCACC[C>T]TGGGTTGGTTTGGGTAAGAAGTCACGGTAAGGGGCTGAAGGTCCCTCACCCTCTGGGAGT-3'